The following is an entry in ClinVar:

NM_000053.4(ATP7B):c.3567_3568del (p.Cys1189fs)

Gene: ATP7B (ATPase copper transporting beta; minus strand). Cytogenetic location: 13q14.3.
Variant type: Microsatellite.
Coding change: c.3567_3568del on transcript NM_000053.4 (MANE Select); coding-DNA positions 3567 to 3568, 2 bases deleted (TG; older notation c.3567_3568delTG).
Protein change: p.Cys1189fs; shifts the reading frame from cysteine 1189.
Molecular consequence: frameshift variant.
Genome position (GRCh38, 1-based): chr13:51,939,182-51,939,183, CA deleted on the plus strand (TG on the coding strand, the reverse complement: ATP7B is on the minus strand); deleting any 2 consecutive bases within chr13:51,939,182-51,939,185 gives the same sequence; the c. name uses the placement nearest the transcript's 3' end. VCF-style (leftmost placement, unchanged base first): chr13-51939181-CCA-C. GRCh37 (hg19) VCF-style: chr13-52513317-CCA-C.
Other names: c.2946_2947del, p.Cys982fs (NM_001005918.3); c.3234_3235del, p.Cys1078fs (NM_001243182.2); c.3333_3334del, p.Cys1111fs (NM_001330578.2, NM_001406527.1, NM_001406528.1); c.3315_3316del, p.Cys1105fs (NM_001330579.2, NM_001406531.1, NM_001406532.1); c.3567_3568del, p.Cys1189fs (NM_001406511.1, NM_001406512.1, NM_001406526.1); c.3561_3562del, p.Cys1187fs (NM_001406513.1); c.3534_3535del, p.Cys1178fs (NM_001406514.1); c.3513_3514del, p.Cys1171fs (NM_001406515.1, NM_001406516.1); and 20 more; short protein forms C1079fs, C1109fs, C1141fs, C1178fs, C1189fs, C1027fs, C1040fs, C1046fs.
Identifiers: ClinVar variation 2736040 (VCV002736040.3), dbSNP rs2547584635, ClinGen allele CA2695218780.

ClinVar aggregate classification (germline): Pathogenic (1 of 4 stars; one submission).

Conditions:
Wilson disease (WND). Also called: Wilson's disease. Identifiers: Orphanet 905, MedGen C0019202, MONDO:0010200, OMIM 277900. Disease mechanism: loss of function.

Submission:

Labcorp Genetics (formerly Invitae), Labcorp
Classification: Pathogenic for Wilson disease. Last evaluated: 2023-08-20. Review status: criteria provided, single submitter. Criteria: Invitae Variant Classification Sherloc (09022015). Collection method: clinical testing. Allele origin: germline.
Comment: This sequence change creates a premature translational stop signal (p.Cys1189Trpfs*69) in the ATP7B gene. It is expected to result in an absent or disrupted protein product. Loss-of-function variants in ATP7B are known to be pathogenic (PMID: 10441329, 16283883). This variant is not present in population databases (gnomAD no frequency). This premature translational stop signal has been observed in individual(s) with Wilson disease (PMID: 21034864). This variant is also known as c.3565_3566delTG. For these reasons, this variant has been classified as Pathogenic.

Literature cited by the submitters: PubMed 10441329; PubMed 16283883; PubMed 21034864.